The following is an entry in ClinVar:

NM_014254.3(RXYLT1):c.1091A>C (p.Asn364Thr)

Genes: RXYLT1 (ribitol xylosyltransferase 1; plus strand), RXYLT1-AS1 (RXYLT1 antisense RNA 1; minus strand). Cytogenetic location: 12q14.2.
Variant type: single nucleotide variant.
Coding change: c.1091A>C on transcript NM_014254.3 (MANE Select); coding-DNA position 1091, A replaced by C.
Protein change: p.Asn364Thr; replaces asparagine 364 with threonine.
Molecular consequence: missense variant. On other transcripts: non-coding transcript variant (1).
Genome position (GRCh38, 1-based): chr12:63,808,851, A>C. VCF-style: chr12-63808851-A-C. GRCh37 (hg19) VCF-style: chr12-64202631-A-C.
Other names: c.311A>C, p.Asn104Thr (NM_001278237.2); c.1091A>C (NM_014254.1); short protein forms N364T, N104T.
Identifiers: ClinVar variation 423360 (VCV000423360.9), dbSNP rs144060489, ClinGen allele CA6666241.
Genomic context (GRCh38, chr12:63,808,851, plus strand): 5'-CTTGCTCCTATGGCTCCATTCCTGTGGTGGAAGACGTGATGACAGCTGGCAACTGTGGGA[A>C]TACATCTGTGCACCACGGTGCTCCTCTGCAGTTACTCAAGTCCATGGGTGCTCCCTTTAT-3'
Protein context (NP_055069.1, residues 354-374): EDVMTAGNCG[Asn364Thr]TSVHHGAPLQ

ClinVar aggregate classification (germline): Uncertain significance. Review status: criteria provided, multiple submitters, no conflicts (2 of 4 stars). 3 submissions from 3 submitters: Uncertain significance (3). Last evaluated 2024-06-17.

Conditions:
Inborn genetic diseases. Identifiers: MedGen C0950123, MeSH D030342.

Allele frequency attached by ClinVar (database versions not stated): gnomAD exomes 0.00001 and 0.00004; ExAC 0.00008; gnomAD 0.00013 and 0.00014; 1000 Genomes Project 30x 0.00016; 1000 Genomes Project 0.00020; TOPMed 0.00020; ESP Exome Variant Server 0.00023.
gnomAD v4.1: 38 of 1,614,156 alleles (0.0024%); highest among the groups gnomAD compares: African/African-American, 0.041%; no homozygotes.

Submissions (3):

Ambry Genetics
Classification: Uncertain significance for Inborn genetic diseases. Last evaluated: 2024-06-17. Review status: criteria provided, single submitter. Criteria: Ambry Variant Classification Scheme 2023. Collection method: clinical testing. Allele origin: germline.

Labcorp Genetics (formerly Invitae), Labcorp
Classification: Uncertain significance. Last evaluated: 2022-10-17. Review status: criteria provided, single submitter. Criteria: Invitae Variant Classification Sherloc (09022015). Collection method: clinical testing. Allele origin: germline.
Comment: This sequence change replaces asparagine, which is neutral and polar, with threonine, which is neutral and polar, at codon 364 of the RXYLT1 protein (p.Asn364Thr). This variant is present in population databases (rs144060489, gnomAD 0.05%). This variant has not been reported in the literature in individuals affected with RXYLT1-related conditions. ClinVar contains an entry for this variant (Variation ID: 423360). Advanced modeling of protein sequence and biophysical properties (such as structural, functional, and spatial information, amino acid conservation, physicochemical variation, residue mobility, and thermodynamic stability) performed at Invitae indicates that this missense variant is not expected to disrupt RXYLT1 protein function. In summary, the available evidence is currently insufficient to determine the role of this variant in disease. Therefore, it has been classified as a Variant of Uncertain Significance.

GeneDx
Classification: Uncertain significance. Last evaluated: 2017-02-08. Review status: criteria provided, single submitter. Criteria: GeneDx Variant Classification (06012015). Collection method: clinical testing. Allele origin: germline. Affected: yes.
Comment: A variant of uncertain significance has been identified in the TMEM5 gene. The N364T variant has not been published as a pathogenic variant, nor has it been reported as a benign variant to our knowledge. The N364T variant is not observed at a significant frequency in large population cohorts (Lek et al., 2016; 1000 Genomes Consortium et al., 2015; Exome Variant Server). This substitution occurs at a position that is conserved in mammals. In silico analysis predicts this variant is probably damaging to the protein structure/function. However, the N364T variant is a conservative amino acid substitution, which is not likely to impact secondary protein structure as these residues share similar properties. Therefore, based on the currently available information, it is unclear whether this variant is a pathogenic variant or a rare benign variant.